The following is an entry in ClinVar:

ClinVar aggregate classification (germline): Uncertain significance (1 of 4 stars; one submission).

Conditions:
Cardiomyopathy (CMYO). Also called: Cardiomyopathies. Identifiers: Orphanet 167848, MedGen C0878544, MONDO:0004994, HP:0001638. Inheritance: Various modes of inheritance.

Submission:

Color Diagnostics, LLC DBA Color Health
Classification: Uncertain significance for Cardiomyopathy. Last evaluated: 2023-06-14. Review status: criteria provided, single submitter. Criteria: ACMG Guidelines, 2015. Collection method: clinical testing. Allele origin: germline.
Comment: This variant changes 1 nucleotide in exon 8 of the DSC2 gene, creating a premature translation stop signal. This variant is expected to result in an absent or non-functional protein product. To our knowledge, this variant has not been reported in individuals affected with DSC2-related disorders in the literature. This variant has not been identified in the general population by the Genome Aggregation Database (gnomAD).. Truncations and other loss-of-function variants in the DSC2 gene have been reported in individuals with arrhythmogenic right ventricular cardiomyopathy. However, clinical significance of these variants in autosomal dominant arrhythmogenic right ventricular cardiomyopathy is not yet fully understood. The available evidence is insufficient to determine the role of this variant in disease conclusively. Therefore, this variant is classified as a Variant of Uncertain Significance.

NM_024422.6(DSC2):c.951_952delinsTT (p.Lys318Ter)

Gene: DSC2 (desmocollin 2; minus strand). Cytogenetic location: 18q12.1.
Variant type: Indel.
Coding change: c.951_952delinsTT on transcript NM_024422.6 (MANE Select); coding-DNA positions 951 to 952, CA replaced by TT.
Protein change: p.Lys318Ter; replaces lysine 318 with a stop codon.
Molecular consequence: nonsense.
Genome position (GRCh38, 1-based): chr18:31,083,051-31,083,052, TG replaced by AA on the plus strand (CA replaced by TT on the coding strand, the reverse complement: DSC2 is on the minus strand). VCF-style: chr18-31083051-TG-AA. GRCh37 (hg19) VCF-style: chr18-28663017-TG-AA.
Other names: c.522_523delinsTT, p.Lys175Ter (NM_001406506.1, NM_001406507.1); c.951_952delinsTT, p.Lys318Ter (NM_004949.5); short protein forms K318*, K175*.
Identifiers: ClinVar variation 2775183 (VCV002775183.2), dbSNP rs2510949019, ClinGen allele CA2697555397.